The following is an entry in ClinVar:

ClinVar aggregate classification (germline): Likely pathogenic. Review status: criteria provided, multiple submitters, no conflicts (2 of 4 stars). 2 submissions from 2 submitters: Likely pathogenic (2). Last evaluated 2024-11-01.

Conditions:
Deficiency of ferroxidase (ACEP). Also called: Aceruloplasminemia; Deficiency of ceruloplasmin; NEURODEGENERATION WITH BRAIN IRON ACCUMULATION 10; Ceruloplasmin deficiency; Familial apoceruloplasmin deficiency; Hereditary ceruloplasmin deficiency. Identifiers: Orphanet 48818, MedGen C0878682, MONDO:0011426, OMIM 604290, HP:0025498.

Submissions (2):

Labcorp Genetics (formerly Invitae), Labcorp
Classification: Likely pathogenic for Deficiency of ferroxidase. Last evaluated: 2024-11-01. Review status: criteria provided, single submitter. Criteria: Invitae Variant Classification Sherloc (09022015). Collection method: clinical testing. Allele origin: germline.
Comment: This sequence change affects an acceptor splice site in intron 16 of the CP gene. It is expected to disrupt RNA splicing. Variants that disrupt the donor or acceptor splice site typically lead to a loss of protein function (PMID: 16199547), and loss-of-function variants in CP are known to be pathogenic (PMID: 16629161). This variant is not present in population databases (gnomAD no frequency). Disruption of this splice site has been observed in individual(s) with clinical features of hypoceruloplasminemia (PMID: 16629161, 30901137). ClinVar contains an entry for this variant (Variation ID: 431112). Algorithms developed to predict the effect of sequence changes on RNA splicing suggest that this variant may disrupt the consensus splice site. In summary, the currently available evidence indicates that the variant is pathogenic, but additional data are needed to prove that conclusively. Therefore, this variant has been classified as Likely Pathogenic.

Hemoglobin and Genome Lab, University of Campinas
Classification: Likely pathogenic for Deficiency of ferroxidase. Last evaluated: 2017-07-28. Review status: criteria provided, single submitter. Criteria: HGL Assertion criteria. Collection method: research. Allele origin: inherited. Inheritance: Autosomal recessive inheritance. Affected: yes. Observed: 2 variant alleles, 2 homozygotes. Clinical features observed: Microcytic anemia, Brain iron overload, Diabetes mellitus.

Literature cited by the submitters: PubMed 16199547 (cited by Labcorp Genetics (formerly Invitae), Labcorp); PubMed 16629161 (cited by Labcorp Genetics (formerly Invitae), Labcorp); PubMed 30901137 (cited by Labcorp Genetics (formerly Invitae), Labcorp).

NM_000096.4(CP):c.2879-1G>T

Gene: CP (ceruloplasmin; minus strand). Cytogenetic location: 3q24.
Variant type: single nucleotide variant.
Coding change: c.2879-1G>T on transcript NM_000096.4 (MANE Select); the canonical splice acceptor site of the intron before coding-DNA position 2879, G replaced by T.
Molecular consequence: splice acceptor variant.
Genome position (GRCh38, 1-based): chr3:149,177,980, C>A on the plus strand (G>T on the coding strand, the complement: CP is on the minus strand). VCF-style: chr3-149177980-C-A. GRCh37 (hg19) VCF-style: chr3-148895767-C-A.
Identifiers: ClinVar variation 431112 (VCV000431112.10), dbSNP rs386134141, ClinGen allele CA85528141.